The following is an entry in ClinVar:

NM_004104.5(FASN):c.3790C>A (p.Pro1264Thr)

Gene: FASN (fatty acid synthase; minus strand). Cytogenetic location: 17q25.3.
Variant type: single nucleotide variant.
Coding change: c.3790C>A on transcript NM_004104.5 (MANE Select); coding-DNA position 3790, C replaced by A.
Protein change: p.Pro1264Thr; replaces proline 1264 with threonine.
Molecular consequence: missense variant.
Genome position (GRCh38, 1-based): chr17:82,085,814, G>T on the plus strand (C>A on the coding strand, the complement: FASN is on the minus strand). VCF-style: chr17-82085814-G-T. GRCh37 (hg19) VCF-style: chr17-80043690-G-T.
Other names: short protein forms P1264T.
Identifiers: ClinVar variation 4708736 (VCV004708736.1).

ClinVar aggregate classification (germline): Uncertain significance (1 of 4 stars; one submission).

Conditions:
Epileptic encephalopathy. Identifiers: MedGen C0543888, HP:0200134.

Submission:

Labcorp Genetics (formerly Invitae), Labcorp
Classification: Uncertain significance for Epileptic encephalopathy. Last evaluated: 2025-08-20. Review status: criteria provided, single submitter. Criteria: Invitae Variant Classification Sherloc (09022015). Collection method: clinical testing. Allele origin: germline.
Comment: This sequence change replaces proline, which is neutral and non-polar, with threonine, which is neutral and polar, at codon 1264 of the FASN protein (p.Pro1264Thr). This variant is not present in population databases (gnomAD no frequency). This variant has not been reported in the literature in individuals affected with FASN-related conditions. An algorithm developed to predict the effect of missense changes on protein structure and function (PolyPhen-2) suggests that this variant is likely to be disruptive. In summary, the available evidence is currently insufficient to determine the role of this variant in disease. Therefore, it has been classified as a Variant of Uncertain Significance.